The following is an entry in ClinVar:

NM_000548.5(TSC2):c.3957C>G (p.Asp1319Glu)

Gene: TSC2 (TSC complex subunit 2; plus strand). Cytogenetic location: 16p13.3.
Variant type: single nucleotide variant.
Coding change: c.3957C>G on transcript NM_000548.5 (MANE Select); coding-DNA position 3957, C replaced by G.
Protein change: p.Asp1319Glu; replaces aspartic acid 1319 with glutamic acid.
Molecular consequence: missense variant.
Genome position (GRCh38, 1-based): chr16:2,083,768, C>G. VCF-style: chr16-2083768-C-G. GRCh37 (hg19) VCF-style: chr16-2133769-C-G.
Other names: c.3756C>G, p.Asp1252Glu (NM_001077183.3); c.3888C>G, p.Asp1296Glu (NM_001114382.3); c.3648C>G, p.Asp1216Glu (NM_001318827.2); c.3612C>G, p.Asp1204Glu (NM_001318829.2); c.3225C>G, p.Asp1075Glu (NM_001318831.2); c.3789C>G, p.Asp1263Glu (NM_001318832.2); c.3759C>G, p.Asp1253Glu (NM_001363528.2); c.3825C>G, p.Asp1275Glu (NM_001370404.1); and 26 more; short protein forms D1075E, D1203E, D1204E, D1263E, D718E, D804E, D828E, D1052E.
Identifiers: ClinVar variation 1736476 (VCV001736476.2), dbSNP rs757244510, ClinGen allele CA394297437.

ClinVar aggregate classification (germline): Uncertain significance (1 of 4 stars; one submission).

Conditions:
Hereditary cancer-predisposing syndrome. Also called: Neoplastic Syndromes, Hereditary; Tumor predisposition; Hereditary Cancer Syndrome; Hereditary neoplastic syndrome. Identifiers: Orphanet 140162, MedGen C0027672, MeSH D009386, MONDO:0015356.

Submission:

Ambry Genetics
Classification: Uncertain significance for Hereditary cancer-predisposing syndrome. Last evaluated: 2022-04-07. Review status: criteria provided, single submitter. Criteria: Ambry Variant Classification Scheme 2023. Collection method: clinical testing. Allele origin: germline.
Comment: The p.D1319E variant (also known as c.3957C>G), located in coding exon 32 of the TSC2 gene, results from a C to G substitution at nucleotide position 3957. The aspartic acid at codon 1319 is replaced by glutamic acid, an amino acid with highly similar properties. This amino acid position is conserved. In addition, the in silico prediction for this alteration is inconclusive. Since supporting evidence is limited at this time, the clinical significance of this alteration remains unclear.